The following is an entry in ClinVar:

ClinVar aggregate classification (germline): Uncertain significance (1 of 4 stars; one submission).

Conditions:
SEMA3A-related disorder. Also called: SEMA3A-related condition.

Submission:

PreventionGenetics, part of Exact Sciences
Classification: Uncertain significance for SEMA3A-related condition. Last evaluated: 2026-02-16. Review status: criteria provided, single submitter. Criteria: ACMG Guidelines, 2015. Collection method: clinical testing. Allele origin: germline.
Comment: The SEMA3A c.1835G>A variant is predicted to result in the amino acid substitution p.Arg612Lys. To our knowledge, this variant has not been reported in the literature or in a large population database (gnomAD), indicating this variant is rare. At this time, the clinical significance of this variant is uncertain due to the absence of conclusive functional and genetic evidence.

NM_006080.3(SEMA3A):c.1835G>A (p.Arg612Lys)

Gene: SEMA3A (semaphorin 3A; minus strand). Cytogenetic location: 7q21.11.
Variant type: single nucleotide variant.
Coding change: c.1835G>A on transcript NM_006080.3 (MANE Select); coding-DNA position 1835, G replaced by A.
Protein change: p.Arg612Lys; replaces arginine 612 with lysine.
Molecular consequence: missense variant.
Genome position (GRCh38, 1-based): chr7:83,963,230, C>T on the plus strand (G>A on the coding strand, the complement: SEMA3A is on the minus strand). VCF-style: chr7-83963230-C-T. GRCh37 (hg19) VCF-style: chr7-83592546-C-T.
Other names: short protein forms R612K.
Identifiers: ClinVar variation 4988463 (VCV004988463.1).